The following is an entry in ClinVar:

NM_182914.3(SYNE2):c.*581G>A

Gene: SYNE2 (spectrin repeat containing nuclear envelope protein 2; plus strand). Cytogenetic location: 14q23.2.
Variant type: single nucleotide variant.
Coding change: c.*581G>A on transcript NM_182914.3 (MANE Select); 581 bases downstream of the stop codon, G replaced by A.
Molecular consequence: 3 prime UTR variant.
Genome position (GRCh38, 1-based): chr14:64,226,107, G>A. VCF-style: chr14-64226107-G-A. GRCh37 (hg19) VCF-style: chr14-64692825-G-A.
Other names: c.*581G>A (NM_015180.6, NM_182910.2, NM_182913.4).
Identifiers: ClinVar variation 313684 (VCV000313684.6), dbSNP rs7229, ClinGen allele CA10640568.

ClinVar aggregate classification (germline): Benign. Review status: criteria provided, multiple submitters, no conflicts (2 of 4 stars). 2 submissions from 2 submitters: Benign (2). Last evaluated 2018-01-13.

Conditions:
Emery-Dreifuss muscular dystrophy 5, autosomal dominant (EDMD5). Also called: EMERY-DREIFUSS MUSCULAR DYSTROPHY 5. Identifiers: Orphanet 261, MedGen C2751805, MONDO:0013072, OMIM 612999.

Allele frequency attached by ClinVar (database versions not stated): gnomAD exomes 0.53057; gnomAD 0.65914 and 0.66854; TOPMed 0.67203; 1000 Genomes Project 0.69089; 1000 Genomes Project 30x 0.69332.
gnomAD v4.1: 102,960 of 157,060 alleles (66%); highest among the groups gnomAD compares: African/African-American, 89%; 35,459 homozygotes.

Submissions (2):

Illumina Laboratory Services, Illumina
Classification: Benign for Emery-Dreifuss muscular dystrophy 5, autosomal dominant. Last evaluated: 2018-01-13. Review status: criteria provided, single submitter. Criteria: ICSL Variant Classification Criteria 13 December 2019. Collection method: clinical testing. Allele origin: germline.
Comment: This variant was observed in the ICSL laboratory as part of a predisposition screen in an ostensibly healthy population. It had not been previously curated by ICSL or reported in the Human Gene Mutation Database (HGMD: prior to June 1st, 2018), and was therefore a candidate for classification through an automated scoring system. Utilizing variant allele frequency, disease prevalence and penetrance estimates, and inheritance mode, an automated score was calculated to assess if this variant is too frequent to cause the disease. Based on the score and internal cut-off values, a variant classified as benign is not then subjected to further curation. The score for this variant resulted in a classification of benign for this disease.

Breakthrough Genomics
Classification: Benign. Review status: criteria provided, single submitter. Criteria: ACMG Guidelines, 2015. Collection method: not provided. Allele origin: germline. Inheritance: Autosomal dominant inheritance. Affected: yes.